The following is an entry in ClinVar:

NM_004092.4(ECHS1):c.161G>T (p.Arg54Leu)

Gene: ECHS1 (enoyl-CoA hydratase, short chain 1; minus strand). Cytogenetic location: 10q26.3.
Variant type: single nucleotide variant.
Coding change: c.161G>T on transcript NM_004092.4 (MANE Select); coding-DNA position 161, G replaced by T.
Protein change: p.Arg54Leu; replaces arginine 54 with leucine.
Molecular consequence: missense variant.
Genome position (GRCh38, 1-based): chr10:133,370,685, C>A on the plus strand (G>T on the coding strand, the complement: ECHS1 is on the minus strand). VCF-style: chr10-133370685-C-A. GRCh37 (hg19) VCF-style: chr10-135184189-C-A.
Other names: short protein forms R54L.
Identifiers: ClinVar variation 1521152 (VCV001521152.6), dbSNP rs375266808, ClinGen allele CA5765862.

ClinVar aggregate classification (germline): Likely pathogenic (1 of 4 stars; one submission).

gnomAD v4.1: 4 of 1,613,228 alleles (0.00025%); highest among the groups gnomAD compares: Non-Finnish European, 0.00034%; no homozygotes.

Submission:

Labcorp Genetics (formerly Invitae), Labcorp
Classification: Likely pathogenic. Last evaluated: 2023-12-02. Review status: criteria provided, single submitter. Criteria: Invitae Variant Classification Sherloc (09022015). Collection method: clinical testing. Allele origin: germline.
Comment: This sequence change replaces arginine, which is basic and polar, with leucine, which is neutral and non-polar, at codon 54 of the ECHS1 protein (p.Arg54Leu). This variant is present in population databases (rs375266808, gnomAD 0.007%). This variant has not been reported in the literature in individuals affected with ECHS1-related conditions. ClinVar contains an entry for this variant (Variation ID: 1521152). Advanced modeling of protein sequence and biophysical properties (such as structural, functional, and spatial information, amino acid conservation, physicochemical variation, residue mobility, and thermodynamic stability) performed at Invitae indicates that this missense variant is expected to disrupt ECHS1 protein function with a positive predictive value of 80%. This variant disrupts the p.Arg54 amino acid residue in ECHS1. Other variant(s) that disrupt this residue have been determined to be pathogenic (PMID: 26000322, 32013919). This suggests that this residue is clinically significant, and that variants that disrupt this residue are likely to be disease-causing. In summary, the currently available evidence indicates that the variant is pathogenic, but additional data are needed to prove that conclusively. Therefore, this variant has been classified as Likely Pathogenic.

Literature cited by the submitters: PubMed 26000322; PubMed 32013919.